The following is an entry in ClinVar:

NM_178354.3(LCE1F):c.246G>C (p.Arg82=)

Gene: LCE1F (late cornified envelope 1F; plus strand). Cytogenetic location: 1q21.3.
Variant type: single nucleotide variant.
Coding change: c.246G>C on transcript NM_178354.3 (MANE Select); coding-DNA position 246, G replaced by C.
Protein change: p.Arg82=; no amino-acid change (arginine 82 retained).
Molecular consequence: synonymous variant.
Genome position (GRCh38, 1-based): chr1:152,776,617, G>C. VCF-style: chr1-152776617-G-C. GRCh37 (hg19) VCF-style: chr1-152749093-G-C.
Identifiers: ClinVar variation 2639340 (VCV002639340.24), dbSNP rs1297132940, ClinGen allele CA420941457.
Genomic context (GRCh38, chr1:152,776,617, plus strand): 5'-TGGGGGTGGTGGCTGCTGCAGCTCTGGGGGAGGCGGCTGTTGCCTGAGCCACCACAGACG[G>C]CGTAGGTCCCACCGCCACAGACCCCAGAGCTCTGACTGCTGCAGCCAGCCCTCAGCGGGC-3'
Protein context (NP_848131.1, residues 72-92): GGGCCLSHHR[Arg82=]RRSHRHRPQS

ClinVar aggregate classification (germline): Likely benign (1 of 4 stars; one submission).

Submission:

CeGaT Center for Human Genetics Tuebingen
Classification: Likely benign. Last evaluated: 2023-08-01. Review status: criteria provided, single submitter. Criteria: CeGaT Center For Human Genetics Tuebingen Variant Classification Criteria Version 2. Collection method: clinical testing. Allele origin: germline. Affected: yes. Observed: 1 variant allele.
Comment: LCE1F: PM2:Supporting, BP4, BP7